The following is an entry in ClinVar:

NM_003628.6(PKP4):c.1462C>G (p.Arg488Gly)

Gene: PKP4 (plakophilin 4; plus strand). Cytogenetic location: 2q24.1.
Variant type: single nucleotide variant.
Coding change: c.1462C>G on transcript NM_003628.6 (MANE Select); coding-DNA position 1462, C replaced by G.
Protein change: p.Arg488Gly; replaces arginine 488 with glycine.
Molecular consequence: missense variant.
Genome position (GRCh38, 1-based): chr2:158,634,189, C>G. VCF-style: chr2-158634189-C-G. GRCh37 (hg19) VCF-style: chr2-159490701-C-G.
Other names: c.1462C>G, p.Arg488Gly (NM_001005476.4, NM_001304971.2, NM_001377218.1 and 1 more transcripts); c.1459C>G, p.Arg487Gly (NM_001304969.3, NM_001377219.1, NM_001377220.1 and 2 more transcripts); c.433C>G, p.Arg145Gly (NM_001304970.3); c.1456C>G, p.Arg486Gly (NM_001377222.1, NM_001377223.1); c.1453C>G, p.Arg485Gly (NM_001377224.1); short protein forms R485G, R145G, R488G, R486G, R487G.
Identifiers: ClinVar variation 3933372 (VCV003933372.1).

ClinVar aggregate classification (germline): Uncertain significance (1 of 4 stars; one submission).

Submission:

Ambry Genetics
Classification: Uncertain significance. Last evaluated: 2025-06-09. Review status: criteria provided, single submitter. Criteria: Ambry Variant Classification Scheme 2023. Collection method: clinical testing. Allele origin: germline.
Comment: The p.R488G variant (also known as c.1462C>G), located in coding exon 8 of the PKP4 gene, results from a C to G substitution at nucleotide position 1462. The arginine at codon 488 is replaced by glycine, an amino acid with dissimilar properties. This amino acid position is conserved. In addition, this alteration is predicted to be deleterious by in silico analysis. Based on the available evidence, the clinical significance of this variant remains unclear.